The following is an entry in ClinVar:

NM_022893.4(BCL11A):c.35T>G (p.Leu12Ter)

Gene: BCL11A (BCL11 transcription factor A; minus strand). Cytogenetic location: 2p16.1.
Variant type: single nucleotide variant.
Coding change: c.35T>G on transcript NM_022893.4 (MANE Select); coding-DNA position 35, T replaced by G.
Protein change: p.Leu12Ter; replaces leucine 12 with a stop codon.
Molecular consequence: nonsense.
Genome position (GRCh38, 1-based): chr2:60,553,236, A>C on the plus strand (T>G on the coding strand, the complement: BCL11A is on the minus strand). VCF-style: chr2-60553236-A-C. GRCh37 (hg19) VCF-style: chr2-60780371-A-C.
Other names: c.35T>G, p.Leu12Ter (NM_001363864.1, NM_001365609.1, NM_018014.4 and 1 more transcripts); short protein forms L12*.
Identifiers: ClinVar variation 1687104 (VCV001687104.1), dbSNP rs2104801226, ClinGen allele CA347040163.
Genomic context (GRCh38, chr2:60,553,236, plus strand): 5'-GATTATTAATAATTATTATTACTATTATTGGGTTACTTACGCGAGAATTCCCGTTTGCTT[A>C]AGTGCTGGGGTTTGCCTTGCTTGCGGCGAGACATGGTGGGCTGCGGGGCGGGCGGCGGCG-3'

ClinVar aggregate classification (germline): Pathogenic (1 of 4 stars; one submission).

Conditions:
Dias-Logan syndrome. Also called: Intellectual developmental disorder with persistence of fetal hemoglobin; INTELLECTUAL DEVELOPMENTAL DISORDER WITH HEREDITARY PERSISTENCE OF FETAL HEMOGLOBIN. Identifiers: Orphanet 619233, MedGen C4310833, MONDO:0014914, OMIM 617101.

Submission:

Institute of Human Genetics, University of Goettingen
Classification: Pathogenic for Dias-Logan syndrome. Last evaluated: 2022-05-27. Review status: criteria provided, single submitter. Criteria: ACMG Guidelines, 2015. Collection method: clinical testing. Allele origin: de novo. Inheritance: Autosomal dominant inheritance. Observed: 1 heterozygote.
Comment: For the following reasons, we consider the BCL11A mutation found to be pathogenic: a comparison with the gnomAD browser did not provide any evidence that this sequence change is a norm variant that can also be detected in non-affected individuals. The mutation is currently not listed in ClinVar or in the HGMD database; the mutation (most)likely results in a truncated protein;the molecular diagnosis matches the patient's clinical symptoms; the mutation a.e. arose de novo. The parents do not carry the mutation the following ACMG criteria were used for classification: PVS1, PM2, PM6.